The following is an entry in ClinVar:

ClinVar aggregate classification (germline): Conflicting classifications of pathogenicity. Review status: criteria provided, conflicting classifications (1 of 4 stars). 5 submissions from 5 submitters: Pathogenic (1); Likely pathogenic (1); Uncertain significance (3). Last evaluated 2024-06-25.

Conditions:
INPP5E-related disorder. Also called: INPP5E-related condition.
Joubert syndrome. Also called: Familial aplasia of the vermis; JOUBERT-BOLTSHAUSER SYNDROME. Identifiers: Orphanet 475, MedGen C5979921, MONDO:0018772.

Allele frequency attached by ClinVar (database versions not stated): gnomAD exomes below 0.00001; TOPMed below 0.00001; gnomAD 0.00003.
gnomAD v4.1: 28 of 1,611,524 alleles (0.0017%); highest among the groups gnomAD compares: Non-Finnish European, 0.002%; no homozygotes.

Submissions (5):

Women's Health and Genetics/Laboratory Corporation of America, LabCorp
Classification: Uncertain significance. Last evaluated: 2024-06-25. Review status: criteria provided, single submitter. Criteria: LabCorp Variant Classification Summary - May 2015. Collection method: clinical testing. Allele origin: germline.
Comment: Variant summary: INPP5E c.1162G>T (p.Val388Leu) results in a conservative amino acid change located in the inositol polyphosphate-related phosphatase domain (IPR000300) of the encoded protein sequence. Three of five in-silico tools predict a benign effect of the variant on protein function. The variant allele was found at a frequency of 4e-06 in 250054 control chromosomes. c.1162G>T has been reported in the literature in the compound heterozygous state in at least one family where it segregated with disease in individuals affected with Joubert Syndrome (e.g. Bachmann-Gagescu_2015). These data indicate that the variant may be associated with disease. At least one in vitro study in HEK-293 cells shows that this variant results in reduced protein expression compared to wildtype (e.g. Cilleros-Rodriguez_2022). The following publications have been ascertained in the context of this evaluation (PMID: 26092869, 36063381). ClinVar contains an entry for this variant (Variation ID: 217663). Based on the evidence outlined above, the variant was classified as VUS-possibly pathogenic.

Blueprint Genetics
Classification: Likely pathogenic for INPP5E-related disorders. Last evaluated: 2023-05-30. Review status: criteria provided, single submitter. Criteria: ACMG Guidelines, 2015. Collection method: clinical testing. Allele origin: germline. Affected: yes. Observed: 3 variant alleles.

Labcorp Genetics (formerly Invitae), Labcorp
Classification: Uncertain significance for Joubert syndrome. Last evaluated: 2022-04-16. Review status: criteria provided, single submitter. Criteria: Invitae Variant Classification Sherloc (09022015). Collection method: clinical testing. Allele origin: germline.
Comment: This sequence change replaces valine, which is neutral and non-polar, with leucine, which is neutral and non-polar, at codon 388 of the INPP5E protein (p.Val388Leu). This variant is present in population databases (no rsID available, gnomAD 0.002%). This missense change has been observed in individual(s) with Joubert syndrome and related disorders and/or retinitis pigmentosa (PMID: 26092869; Invitae). In at least one individual the data is consistent with being in trans (on the opposite chromosome) from a pathogenic variant. ClinVar contains an entry for this variant (Variation ID: 217663). Algorithms developed to predict the effect of missense changes on protein structure and function (SIFT, PolyPhen-2, Align-GVGD) all suggest that this variant is likely to be tolerated. In summary, the available evidence is currently insufficient to determine the role of this variant in disease. Therefore, it has been classified as a Variant of Uncertain Significance.

GeneDx
Classification: Uncertain significance. Last evaluated: 2019-12-30. Review status: criteria provided, single submitter. Criteria: GeneDx Variant Classification Process June 2021. Collection method: clinical testing. Allele origin: germline. Affected: yes.
Comment: Not observed at a significant frequency in large population cohorts (Lek et al., 2016); In silico analysis, which includes protein predictors and evolutionary conservation, supports that this variant does not alter protein structure/function; This variant is associated with the following publications: (PMID: 26092869)

UW Hindbrain Malformation Research Program, University of Washington
Classification: Pathogenic for Joubert syndrome 1. Last evaluated: 2015-02-23. Review status: criteria provided, single submitter. Criteria: Bachmann-Gagescu et al. (J Med Genet. 2015). Collection method: research. Allele origin: unknown. Affected: yes.

Literature cited by the submitters: PubMed 26092869 (cited by Women's Health and Genetics/Laboratory Corporation of America, LabCorp and Labcorp Genetics (formerly Invitae), Labcorp); PubMed 36063381 (cited by Women's Health and Genetics/Laboratory Corporation of America, LabCorp).

NM_019892.6(INPP5E):c.1162G>T (p.Val388Leu)

Gene: INPP5E (inositol polyphosphate-5-phosphatase E; minus strand). Cytogenetic location: 9q34.3.
Variant type: single nucleotide variant.
Coding change: c.1162G>T on transcript NM_019892.6 (MANE Select); coding-DNA position 1162, G replaced by T.
Protein change: p.Val388Leu; replaces valine 388 with leucine.
Molecular consequence: missense variant.
Genome position (GRCh38, 1-based): chr9:136,433,073, C>A on the plus strand (G>T on the coding strand, the complement: INPP5E is on the minus strand). VCF-style: chr9-136433073-C-A. GRCh37 (hg19) VCF-style: chr9-139327525-C-A.
Other names: c.1162G>T, p.Val388Leu (NM_001318502.2); short protein forms V388L.
Identifiers: ClinVar variation 217663 (VCV000217663.10), dbSNP rs863225201, ClinGen allele CA279447.
Genomic context (GRCh38, chr9:136,433,073, plus strand): 5'-CCAAGGCCCCCTTGGTCTTGATCTGAGACACGATGCGTGTGGTCACCGTGGAGCACTCCA[C>A]CTCTGTGGGAGGGGCAGCCCTCAGCTCACCTGTGGGACGCTGCCACCTTCCAGCCGCGCC-3'
Protein context (NP_063945.2, residues 378-398): RRDLIWFCSE[Val388Leu]ECSTVTTRIV